The following is an entry in ClinVar:

ClinVar aggregate classification (germline): Uncertain significance. Review status: criteria provided, multiple submitters, no conflicts (2 of 4 stars). 3 submissions from 3 submitters: Uncertain significance (3). Last evaluated 2025-07-14.

Conditions:
Inborn genetic diseases. Identifiers: MedGen C0950123, MeSH D030342.

Allele frequency attached by ClinVar (database versions not stated): ExAC 0.00002; TOPMed 0.00003; gnomAD 0.00005; gnomAD exomes 0.00005.
gnomAD v4.1: 77 of 1,613,524 alleles (0.0048%); highest among the groups gnomAD compares: Middle Eastern, 0.016%; no homozygotes.

Submissions (3):

Labcorp Genetics (formerly Invitae), Labcorp
Classification: Uncertain significance. Last evaluated: 2025-07-14. Review status: criteria provided, single submitter. Criteria: Invitae Variant Classification Sherloc (09022015). Collection method: clinical testing. Allele origin: germline.
Comment: This sequence change replaces glutamic acid, which is acidic and polar, with lysine, which is basic and polar, at codon 925 of the DOCK6 protein (p.Glu925Lys). This variant is present in population databases (rs751779826, gnomAD 0.009%). This variant has not been reported in the literature in individuals affected with DOCK6-related conditions. ClinVar contains an entry for this variant (Variation ID: 2352300). Invitae Evidence Modeling of protein sequence and biophysical properties (such as structural, functional, and spatial information, amino acid conservation, physicochemical variation, residue mobility, and thermodynamic stability) indicates that this missense variant is not expected to disrupt DOCK6 protein function with a negative predictive value of 80%. In summary, the available evidence is currently insufficient to determine the role of this variant in disease. Therefore, it has been classified as a Variant of Uncertain Significance.

Ambry Genetics
Classification: Uncertain significance for Inborn genetic diseases. Last evaluated: 2021-04-28. Review status: criteria provided, single submitter. Criteria: Ambry Variant Classification Scheme 2023. Collection method: clinical testing. Allele origin: germline.

Blueprint Genetics
Classification: Uncertain significance. Last evaluated: 2020-03-25. Review status: criteria provided, single submitter. Criteria: ACMG Guidelines, 2015. Collection method: clinical testing. Allele origin: germline.

NM_020812.4(DOCK6):c.2773G>A (p.Glu925Lys)

Gene: DOCK6 (dedicator of cytokinesis 6; minus strand). Cytogenetic location: 19p13.2.
Variant type: single nucleotide variant.
Coding change: c.2773G>A on transcript NM_020812.4 (MANE Select); coding-DNA position 2773, G replaced by A.
Protein change: p.Glu925Lys; replaces glutamic acid 925 with lysine.
Molecular consequence: missense variant.
Genome position (GRCh38, 1-based): chr19:11,228,981, C>T on the plus strand (G>A on the coding strand, the complement: DOCK6 is on the minus strand). VCF-style: chr19-11228981-C-T. GRCh37 (hg19) VCF-style: chr19-11339657-C-T.
Other names: c.2878G>A, p.Glu960Lys (NM_001367830.1); short protein forms E925K, E960K.
Identifiers: ClinVar variation 2352300 (VCV002352300.4), dbSNP rs751779826, ClinGen allele CA9207491.